The following is an entry in ClinVar:

NM_014915.3(ANKRD26):c.394C>G (p.Leu132Val)

Gene: ANKRD26 (ankyrin repeat domain containing 26; minus strand). Cytogenetic location: 10p12.1.
Variant type: single nucleotide variant.
Coding change: c.394C>G on transcript NM_014915.3 (MANE Select); coding-DNA position 394, C replaced by G.
Protein change: p.Leu132Val; replaces leucine 132 with valine.
Molecular consequence: missense variant.
Genome position (GRCh38, 1-based): chr10:27,093,486, G>C on the plus strand (C>G on the coding strand, the complement: ANKRD26 is on the minus strand). VCF-style: chr10-27093486-G-C. GRCh37 (hg19) VCF-style: chr10-27382415-G-C.
Other names: c.394C>G, p.Leu132Val (NM_001256053.2); short protein forms L132V.
Identifiers: ClinVar variation 3384553 (VCV003384553.1).
Genomic context (GRCh38, chr10:27,093,486, plus strand): 5'-AGTGAAGAGCAGTGTTGCCATGGACATCCGCAAGATTTGGATCAGCACCATGTTCTAGCA[G>C]AATAGTTGCACATTTCTCTTCCTGGCATTGTACAGCCTGGGAGTATTAGACCAAGAAACA-3'
Protein context (NP_055730.2, residues 122-142): QCQEEKCATI[Leu132Val]LEHGADPNLA

ClinVar aggregate classification (germline): Uncertain significance (1 of 4 stars; one submission).

Submission:

GeneDx
Classification: Uncertain significance. Last evaluated: 2024-06-03. Review status: criteria provided, single submitter. Criteria: GeneDx Variant Classification Process June 2021. Collection method: clinical testing. Allele origin: germline. Affected: yes.
Comment: Not observed at significant frequency in large population cohorts (gnomAD); In silico analysis indicates that this missense variant does not alter protein structure/function; Has not been previously published as pathogenic or benign to our knowledge